The following is an entry in ClinVar:

ClinVar aggregate classification (germline): Uncertain significance (1 of 4 stars; one submission).

Conditions:
Baller-Gerold syndrome (BGS). Also called: CRANIOSYNOSTOSIS WITH RADIAL DEFECTS. Identifiers: Orphanet 1225, MedGen C0265308, MONDO:0009039, OMIM 218600.

Submission:

Labcorp Genetics (formerly Invitae), Labcorp
Classification: Uncertain significance for Baller-Gerold syndrome. Last evaluated: 2017-12-18. Review status: criteria provided, single submitter. Criteria: Invitae Variant Classification Sherloc (09022015). Collection method: clinical testing. Allele origin: germline.
Comment: In summary, the available evidence is currently insufficient to determine the role of this variant in disease. Therefore, it has been classified as a Variant of Uncertain Significance. Algorithms developed to predict the effect of missense changes on protein structure and function do not agree on the potential impact of this missense change (SIFT: "Tolerated"; PolyPhen-2: "Possibly Damaging"; Align-GVGD: "Class C0"). This variant has not been reported in the literature in individuals with RECQL4-related disease. This variant is not present in population databases (ExAC no frequency). This sequence change replaces proline with threonine at codon 230 of the RECQL4 protein (p.Pro230Thr). The proline residue is highly conserved and there is a small physicochemical difference between proline and threonine.

NM_004260.4(RECQL4):c.688C>A (p.Pro230Thr)

Gene: RECQL4 (RecQ like helicase 4; minus strand). Cytogenetic location: 8q24.3.
Variant type: single nucleotide variant.
Coding change: c.688C>A on transcript NM_004260.4 (MANE Select); coding-DNA position 688, C replaced by A.
Protein change: p.Pro230Thr; replaces proline 230 with threonine.
Molecular consequence: missense variant.
Genome position (GRCh38, 1-based): chr8:144,516,431, G>T on the plus strand (C>A on the coding strand, the complement: RECQL4 is on the minus strand). VCF-style: chr8-144516431-G-T. GRCh37 (hg19) VCF-style: chr8-145741815-G-T.
Other names: short protein forms P230T.
Identifiers: ClinVar variation 529040 (VCV000529040.4), dbSNP rs745571670, ClinGen allele CA372689706.